The following is an entry in ClinVar:

NM_000532.5(PCCB):c.1353_1356del (p.Asn452fs)

Gene: PCCB (propionyl-CoA carboxylase subunit beta; plus strand). Cytogenetic location: 3q22.3.
Variant type: Deletion.
Coding change: c.1353_1356del on transcript NM_000532.5 (MANE Select); coding-DNA positions 1353 to 1356, 4 bases deleted (CAAC; older notation c.1353_1356delCAAC).
Protein change: p.Asn452fs; shifts the reading frame from asparagine 452.
Molecular consequence: frameshift variant.
Genome position (GRCh38, 1-based): chr3:136,327,687-136,327,690, CAAC deleted; deleting any 4 consecutive bases within chr3:136,327,685-136,327,690 gives the same sequence; the c. name uses the placement nearest the transcript's 3' end. VCF-style (leftmost placement, unchanged base first): chr3-136327684-TACCA-T. GRCh37 (hg19) VCF-style: chr3-136046526-TACCA-T.
Other names: c.1413_1416del, p.Asn472fs (NM_001178014.2); short protein forms N452fs, N472fs.
Identifiers: ClinVar variation 2751589 (VCV002751589.3), dbSNP rs2529974215, ClinGen allele CA2697556862.

ClinVar aggregate classification (germline): Pathogenic (1 of 4 stars; one submission).

Conditions:
Propionic acidemia (PROP). Also called: GLYCINEMIA, KETOTIC; HYPERGLYCINEMIA WITH KETOACIDOSIS AND LEUKOPENIA; KETOTIC HYPERGLYCINEMIA. Identifiers: Orphanet 35, MedGen C0268579, MONDO:0011628, OMIM 606054, HP:0003571.

Submission:

Labcorp Genetics (formerly Invitae), Labcorp
Classification: Pathogenic for Propionic acidemia. Last evaluated: 2023-08-10. Review status: criteria provided, single submitter. Criteria: Invitae Variant Classification Sherloc (09022015). Collection method: clinical testing. Allele origin: germline.
Comment: This variant has not been reported in the literature in individuals affected with PCCB-related conditions. This variant is not present in population databases (gnomAD no frequency). This sequence change results in a frameshift in the PCCB gene (p.Asn452Metfs*98). While this is not anticipated to result in nonsense mediated decay, it is expected to disrupt the last 88 amino acid(s) of the PCCB protein and extend the protein by 9 additional amino acid residues. This variant disrupts a region of the PCCB protein in which other variant(s) (p.Arg514*) have been determined to be pathogenic (PMID: 11136555, 24059531, 27227689). This suggests that this is a clinically significant region of the protein, and that variants that disrupt it are likely to be disease-causing. For these reasons, this variant has been classified as Pathogenic.

Literature cited by the submitters: PubMed 11136555; PubMed 24059531; PubMed 27227689.